The following is an entry in ClinVar:

ClinVar aggregate classification (germline): Conflicting classifications of pathogenicity. Review status: criteria provided, conflicting classifications (1 of 4 stars). 24 submissions from 24 submitters: Uncertain significance (1); Benign (8); Likely benign (11). 4 of the submissions do not count toward it. Last evaluated 2026-07-01.

Conditions:
Breast and/or ovarian cancer. Identifiers: MedGen CN221562.
Hereditary cancer-predisposing syndrome. Also called: Neoplastic Syndromes, Hereditary; Tumor predisposition; Hereditary neoplastic syndrome; Hereditary Cancer Syndrome. Identifiers: Orphanet 140162, MedGen C0027672, MeSH D009386, MONDO:0015356.
Familial cancer of breast. Also called: Hereditary breast cancer; hereditary breast carcinoma; BREAST CANCER, FAMILIAL. Identifiers: Orphanet 227535, MedGen C0346153, MONDO:0016419, OMIM 114480. Disease mechanism: loss of function.
Ataxia-telangiectasia syndrome (AT). Also called: Ataxia-telangiectasia, complementation group D; AT, COMPLEMENTATION GROUP C; Ataxia telangiectasia (A-T); LOUIS-BAR SYNDROME; Cerebello-oculocutaneous telangiectasia; Immunodeficiency with ataxia telangiectasia. Identifiers: Orphanet 100, MedGen C0004135, MONDO:0008840, OMIM 208900.
Malignant tumor of breast. Also called: Malignant breast neoplasm; Cancer breast. Identifiers: MedGen C0006142, MONDO:0007254. Disease mechanism: loss of function.

Allele frequency attached by ClinVar (database versions not stated): 1000 Genomes Project 30x 0.00031; TOPMed 0.00033; ESP Exome Variant Server 0.00038; 1000 Genomes Project 0.00040.
gnomAD v4.1: 990 of 1,614,006 alleles (0.061%); highest among the groups gnomAD compares: Non-Finnish European, 0.077%; 2 homozygotes.

Submissions (24):

CeGaT Center for Human Genetics Tuebingen
Classification: Likely benign. Last evaluated: 2026-07-01. Review status: criteria provided, single submitter. Criteria: CeGaT Center For Human Genetics Tuebingen Variant Classification Criteria Version 2. Collection method: clinical testing. Allele origin: germline. Affected: yes. Observed: 12 variant alleles.
Comment: ATM: BP4, BP7

Women's Health and Genetics/Laboratory Corporation of America, LabCorp
Classification: Benign. Last evaluated: 2026-04-18. Review status: criteria provided, single submitter. Criteria: LabCorp Variant Classification Summary - May 2015. Collection method: clinical testing. Allele origin: germline.

Labcorp Genetics (formerly Invitae), Labcorp
Classification: Benign for Ataxia-telangiectasia syndrome. Last evaluated: 2026-02-03. Review status: criteria provided, single submitter. Criteria: Invitae Variant Classification Sherloc (09022015). Collection method: clinical testing. Allele origin: germline.

Mayo Clinic Laboratories, Mayo Clinic
Classification: Likely benign. Last evaluated: 2025-05-20. Review status: criteria provided, single submitter. Criteria: ACMG Guidelines, 2015. Collection method: clinical testing. Allele origin: germline. Observed: 2 variant alleles.
Comment: BP4, BP7

Center for Genomic Medicine, Rigshospitalet, Copenhagen University Hospital
Classification: Likely benign. Last evaluated: 2025-03-04. Review status: criteria provided, single submitter. Criteria: ACMG Guidelines, 2015. Collection method: clinical testing. Allele origin: germline.

Laboratory of Genetics, Children's Clinical University Hospital Latvia
Classification: Likely benign. Last evaluated: 2025-02-16. Review status: criteria provided, single submitter. Criteria: ACMG Guidelines, 2015. Collection method: clinical testing. Allele origin: germline. Affected: yes.

Blueprint Genetics
Classification: Likely benign. Last evaluated: 2024-11-05. Review status: criteria provided, single submitter. Criteria: ACMG Guidelines, 2015. Collection method: clinical testing. Allele origin: germline.

Institute for Biomarker Research, Medical Diagnostic Laboratories, L.L.C.
Classification: Benign for Hereditary cancer-predisposing syndrome. Last evaluated: 2024-06-11. Review status: criteria provided, single submitter. Criteria: ACMG Guidelines, 2015. Collection method: clinical testing. Allele origin: germline.

Myriad Genetics, Inc.
Classification: Benign for Familial cancer of breast. Last evaluated: 2024-05-10. Review status: criteria provided, single submitter. Criteria: Myriad Autosomal Dominant, Autosomal Recessive and X-Linked Classification Criteria (2023). Collection method: clinical testing. Allele origin: unknown.
Comment: This variant is considered benign. This variant is a silent/synonymous amino acid change and it is not expected to impact splicing.

KCCC/NGS Laboratory, Kuwait Cancer Control Center
Classification: Benign for Familial cancer of breast. Last evaluated: 2023-07-07. Review status: criteria provided, single submitter. Criteria: ACMG Guidelines, 2015. Collection method: clinical testing. Allele origin: germline. Affected: yes.

Quest Diagnostics Nichols Institute San Juan Capistrano
Classification: Benign. Last evaluated: 2023-06-19. Review status: criteria provided, single submitter. Criteria: Quest Diagnostics criteria. Collection method: clinical testing. Allele origin: unknown.

CHEO Genetics Diagnostic Laboratory, Children's Hospital of Eastern Ontario
Classification: Likely benign for Breast and/or ovarian cancer. Last evaluated: 2023-05-01. Review status: criteria provided, single submitter. Criteria: ACMG Guidelines, 2015. Collection method: clinical testing. Allele origin: germline.

Sema4
Classification: Likely benign for Hereditary cancer-predisposing syndrome. Last evaluated: 2020-09-17. Review status: criteria provided, single submitter. Criteria: Sema4 Curation Guidelines. Collection method: curation. Allele origin: germline.

Genetic Services Laboratory, University of Chicago
Classification: Likely benign. Last evaluated: 2018-12-31. Review status: criteria provided, single submitter. Criteria: ACMG Guidelines, 2015. Collection method: clinical testing. Allele origin: germline. Affected: no.

Athena Diagnostics
Classification: Benign. Last evaluated: 2018-09-17. Review status: criteria provided, single submitter. Criteria: Athena Diagnostics Criteria. Collection method: clinical testing. Allele origin: germline.

Illumina Laboratory Services, Illumina
Classification: Uncertain significance for Ataxia-telangiectasia syndrome. Last evaluated: 2017-04-27. Review status: criteria provided, single submitter. Criteria: ICSL Variant Classification Criteria 13 December 2019. Collection method: clinical testing. Allele origin: germline.
Comment: This variant was observed as part of a predisposition screen in an ostensibly healthy population. A literature search was performed for the gene, cDNA change, and amino acid change (where applicable). Publications were found based on this search. However, the evidence from the literature, in combination with allele frequency data from public databases where available, was not sufficient to rule this variant in or out of causing disease. Therefore, this variant is classified as a variant of unknown significance.

PreventionGenetics, part of Exact Sciences
Classification: Likely benign. Last evaluated: 2017-04-03. Review status: criteria provided, single submitter. Criteria: ACMG Guidelines, 2015. Collection method: clinical testing. Allele origin: germline.

Color Diagnostics, LLC DBA Color Health
Classification: Likely benign for Hereditary cancer-predisposing syndrome. Last evaluated: 2015-04-27. Review status: criteria provided, single submitter. Criteria: ACMG Guidelines, 2015. Collection method: clinical testing. Allele origin: germline.

Ambry Genetics
Classification: Likely benign for Hereditary cancer-predisposing syndrome. Last evaluated: 2014-08-19. Review status: criteria provided, single submitter. Criteria: Ambry Variant Classification Scheme 2023. Collection method: clinical testing. Allele origin: germline.

GeneDx
Classification: Benign. Last evaluated: 2013-10-15. Review status: criteria provided, single submitter. Criteria: GeneDx Variant Classification (06012015). Collection method: clinical testing. Allele origin: germline. Affected: yes.
Comment: This variant is considered likely benign or benign based on one or more of the following criteria: it is a conservative change, it occurs at a poorly conserved position in the protein, it is predicted to be benign by multiple in silico algorithms, and/or has population frequency not consistent with disease.

Natera, Inc.
Classification: Likely benign for Ataxia-telangiectasia. Last evaluated: 2020-04-17. Review status: no assertion criteria provided. Collection method: clinical testing. Allele origin: germline. Not counted in ClinVar's aggregate classification.

Counsyl
Classification: Likely benign for Ataxia-telangiectasia syndrome. Last evaluated: 2017-06-08. Review status: no assertion criteria provided. Collection method: clinical testing. Allele origin: unknown. Not counted in ClinVar's aggregate classification.

Clinical Genetics DNA and cytogenetics Diagnostics Lab, Erasmus MC, Erasmus Medical Center
Classification: Likely benign. Review status: no assertion criteria provided. Collection method: clinical testing. Allele origin: germline. Affected: yes. Study: VKGL Data-share Consensus. Not counted in ClinVar's aggregate classification.

Department of Pathology and Laboratory Medicine, Sinai Health System
Classification: Likely benign for Malignant tumor of breast. Review status: no assertion criteria provided. Collection method: clinical testing. Allele origin: unknown. Affected: yes. Observed: 2 variant alleles. Study: The Canadian Open Genetics Repository (COGR). Not counted in ClinVar's aggregate classification.
Comment: The ATM p.Thr935= variant was identified in 4 of 5562 proband chromosomes (frequency: 0.001) from individuals or families with contralateral breast cancer, breast carcinoma or chronic lymphocytic leukemia (Bernstein 2010, Mangone 2015, Skowronska 2012, Teraoka 2001). The variant was also identified in dbSNP (ID: rs55934812) as "With Likely benign, Uncertain significance allele", ClinVar (classified as benign by GeneDx; as likely benign by Invitae, Ambry Genetics, Color Genomics; as uncertain significance by Integrated Genetics/Laboratory Corporation of America), and in LOVD 3.0 (1x as likely benign). The variant was not identified in COGR, and Cosmic databases. The variant was identified in control databases in 81 of 277128 chromosomes (1 homozygous) at a frequency of 0.0003 (Genome Aggregation Database Feb 27, 2017). It was observed in the following populations: African in 2 of 24032 chromosomes (freq: 0.0001), Other in 5 of 6464 chromosomes (freq: 0.001), Latino in 14 of 34420 chromosomes (freq: 0.0004), and European in 60 of 126690 chromosomes (freq: 0.001); it was not observed in the Ashkenazi Jewish, East Asian, Finnish, and South Asian populations. The p.Thr935= variant is not expected to have clinical significance because it does not result in a change of amino acid and is not located in a known consensus splice site. In addition, in silico or computational prediction software programs (SpliceSiteFinder, MaxEntScan, NNSPLICE, GeneSplicer, HumanSpliceFinder) do not predict a difference in splicing. In summary, based on the above information the clinical significance of this variant cannot be determined with certainty at this time although we would lean towards a more benign role for this variant. This variant is classified as likely benign.

Literature cited by the submitters: PubMed 21933854 (cited by Women's Health and Genetics/Laboratory Corporation of America, LabCorp); PubMed 11505391 (cited by 4 submitters); PubMed 25625042 (cited by 4 submitters); PubMed 20305132 (cited by Women's Health and Genetics/Laboratory Corporation of America, LabCorp); PubMed 12697903 (cited by 3 submitters); PubMed 28423360 (cited by Women's Health and Genetics/Laboratory Corporation of America, LabCorp); PubMed 28830922 (cited by Quest Diagnostics Nichols Institute San Juan Capistrano and Athena Diagnostics); PubMed 10023947 (cited by 3 submitters).

NM_000051.4(ATM):c.2805G>C (p.Thr935=)

Gene: ATM (ATM serine/threonine kinase; plus strand). Cytogenetic location: 11q22.3.
Variant type: single nucleotide variant.
Coding change: c.2805G>C on transcript NM_000051.4 (MANE Select); coding-DNA position 2805, G replaced by C.
Protein change: p.Thr935=; no amino-acid change (threonine 935 retained).
Molecular consequence: synonymous variant.
Genome position (GRCh38, 1-based): chr11:108,268,576, G>C. VCF-style: chr11-108268576-G-C. GRCh37 (hg19) VCF-style: chr11-108139303-G-C.
Other names: p.T935T:ACG>ACC; p.Thr935=; c.2805G>C, p.Thr935= (NM_001351834.2).
Identifiers: ClinVar variation 135746 (VCV000135746.86), dbSNP rs55934812, ClinGen allele CA289548.